The following is an entry in ClinVar:

ClinVar aggregate classification (germline): Uncertain significance. Review status: criteria provided, multiple submitters, no conflicts (2 of 4 stars). 3 submissions from 3 submitters: Uncertain significance (3). Last evaluated 2025-08-11.

Conditions:
Fanconi anemia (FA). Also called: Fanconi's anemia. Identifiers: Orphanet 84, MedGen C0015625, MeSH D005199, MONDO:0019391.
Fanconi anemia complementation group L (FANCL). Also called: FANCL-Related Fanconi Anemia. Identifiers: Orphanet 84, MedGen C3469528, MONDO:0013566, OMIM 614083.

Submissions (3):

Labcorp Genetics (formerly Invitae), Labcorp
Classification: Uncertain significance for Fanconi anemia. Last evaluated: 2025-08-11. Review status: criteria provided, single submitter. Criteria: Invitae Variant Classification Sherloc (09022015). Collection method: clinical testing. Allele origin: germline.
Comment: This variant, c.147_148delinsTT, is a complex sequence change that results in the deletion of 2 and insertion of 2 amino acid(s) in the FANCL protein (p.Lys49_Asn50delinsAsnTyr). Information on the frequency of this variant in the gnomAD database is not available, as this variant may be reported differently in the database. This variant has not been reported in the literature in individuals affected with FANCL-related conditions. ClinVar contains an entry for this variant (Variation ID: 625941). Experimental studies and prediction algorithms are not available or were not evaluated, and the functional significance of this variant is currently unknown. In summary, the available evidence is currently insufficient to determine the role of this variant in disease. Therefore, it has been classified as a Variant of Uncertain Significance.

Fulgent Genetics
Classification: Uncertain significance for Fanconi anemia complementation group L. Last evaluated: 2022-02-01. Review status: criteria provided, single submitter. Criteria: ACMG Guidelines, 2015. Collection method: clinical testing. Allele origin: unknown.

Center for Genomics, Ann and Robert H. Lurie Children's Hospital of Chicago
Classification: Uncertain significance for Fanconi anemia complementation group L. Last evaluated: 2017-09-18. Review status: criteria provided, single submitter. Criteria: ACMG Guidelines, 2015. Collection method: clinical testing. Allele origin: germline.
Comment: FANCL NM_018062.3 exon2 p.Lys49_Asn50delinsAsnTyr (c.147_148delinsTT): This variant has not been reported in the literature and is not present in large control databases. Evolutionary conservation and computational predictive tools for this variant are limited or unavailable. This variant represents an in-frame deletion of 2 amino acids (Lysine and Asparagine) at position 49 and 50 and the insertion of 2 amino acids (Asparagine and Tyrosine) at these same positions. This variant is not predicted to alter the reading frame. However, the effect of this variant on the protein is unclear. In summary, data on this variant is insufficient for disease classification. Therefore, the clinical significance of this variant is uncertain.

NM_018062.4(FANCL):c.147_148delinsTT (p.Lys49_Asn50delinsAsnTyr)

Gene: FANCL (FA complementation group L; minus strand). Cytogenetic location: 2p16.1.
Variant type: Indel.
Coding change: c.147_148delinsTT on transcript NM_018062.4 (MANE Select); coding-DNA positions 147 to 148, GA replaced by TT.
Protein change: p.Lys49_Asn50delinsAsnTyr.
Molecular consequence: missense variant.
Genome position (GRCh38, 1-based): chr2:58,232,061-58,232,062, TC replaced by AA on the plus strand (GA replaced by TT on the coding strand, the reverse complement: FANCL is on the minus strand). VCF-style: chr2-58232061-TC-AA. GRCh37 (hg19) VCF-style: chr2-58459196-TC-AA.
Other names: c.147_148delGAinsTT, p.Lys49_Asn50delinsAsnTyr (NM_001114636.2); c.147_148delinsTT, p.Lys49_Asn50delinsAsnTyr (NM_001374615.1, NM_001410792.1).
Identifiers: ClinVar variation 625941 (VCV000625941.7), dbSNP rs1558825558, ClinGen allele CA913189352.